The following is an entry in ClinVar:

NM_001256545.2(MEGF10):c.1880C>T (p.Thr627Ile)

Gene: MEGF10 (multiple EGF like domains 10; plus strand). Cytogenetic location: 5q23.2.
Variant type: single nucleotide variant.
Coding change: c.1880C>T on transcript NM_001256545.2 (MANE Select); coding-DNA position 1880, C replaced by T.
Protein change: p.Thr627Ile; replaces threonine 627 with isoleucine.
Molecular consequence: missense variant.
Genome position (GRCh38, 1-based): chr5:127,434,726, C>T. VCF-style: chr5-127434726-C-T. GRCh37 (hg19) VCF-style: chr5-126770418-C-T.
Other names: c.1880C>T, p.Thr627Ile (NM_032446.3); short protein forms T627I.
Identifiers: ClinVar variation 842653 (VCV000842653.10), dbSNP rs778901566, ClinGen allele CA3391773.

ClinVar aggregate classification (germline): Uncertain significance. Review status: criteria provided, multiple submitters, no conflicts (2 of 4 stars). 2 submissions from 2 submitters: Uncertain significance (2). Last evaluated 2025-04-12.

Conditions:
MEGF10-related myopathy (CMYO10A). Also called: Congenital myopathy 10A, severe variant. Identifiers: Orphanet 439212, MedGen C3280679, MONDO:0013731, OMIM 614399.
Inborn genetic diseases. Identifiers: MedGen C0950123, MeSH D030342.

Allele frequency attached by ClinVar (database versions not stated): ExAC 0.00001; gnomAD exomes 0.00001 and 0.00002; gnomAD 0.00002; TOPMed 0.00002.
gnomAD v4.1: 27 of 1,613,810 alleles (0.0017%); highest among the groups gnomAD compares: Non-Finnish European, 0.0019%; no homozygotes.

Submissions (2):

Ambry Genetics
Classification: Uncertain significance for Inborn genetic diseases. Last evaluated: 2025-04-12. Review status: criteria provided, single submitter. Criteria: Ambry Variant Classification Scheme 2023. Collection method: clinical testing. Allele origin: germline.

Labcorp Genetics (formerly Invitae), Labcorp
Classification: Uncertain significance for MEGF10-related myopathy. Last evaluated: 2019-10-03. Review status: criteria provided, single submitter. Criteria: Invitae Variant Classification Sherloc (09022015). Collection method: clinical testing. Allele origin: germline.
Comment: In summary, the available evidence is currently insufficient to determine the role of this variant in disease. Therefore, it has been classified as a Variant of Uncertain Significance. Algorithms developed to predict the effect of missense changes on protein structure and function are either unavailable or do not agree on the potential impact of this missense change (SIFT: "Deleterious"; PolyPhen-2: "Possibly Damaging"; Align-GVGD: "Class C0"). This variant has not been reported in the literature in individuals with MEGF10-related conditions. This variant is present in population databases (rs778901566, ExAC 0.002%). This sequence change replaces threonine with isoleucine at codon 627 of the MEGF10 protein (p.Thr627Ile). The threonine residue is highly conserved and there is a moderate physicochemical difference between threonine and isoleucine.